The following is an entry in ClinVar:

ClinVar aggregate classification (germline): Uncertain significance. Review status: criteria provided, multiple submitters, no conflicts (2 of 4 stars). 2 submissions from 2 submitters: Uncertain significance (2). Last evaluated 2025-06-24.

Conditions:
Glycogen storage disease, type II (IOPD). Also called: CARDIOMEGALIA GLYCOGENICA DIFFUSA; Glycogen storage disease type 2; Acid maltase deficiency disease; Aglucosidase alfa; POMPE DISEASE, INFANTILE-ONSET; GLYCOGEN STORAGE DISEASE II, INFANTILE-ONSET. Identifiers: Orphanet 365, MedGen C0017921, MONDO:0009290, OMIM 232300.

gnomAD v4.1: 1 of 1,610,806 alleles (0.000062%); highest among the groups gnomAD compares: Non-Finnish European, 0.000085%; no homozygotes.

Submissions (2):

GeneDx
Classification: Uncertain significance. Last evaluated: 2025-06-24. Review status: criteria provided, single submitter. Criteria: GeneDx Variant Classification Process June 2021. Collection method: clinical testing. Allele origin: germline. Affected: yes.
Comment: Not observed at significant frequency in large population cohorts (gnomAD); In silico analysis suggests that this missense variant does not alter protein structure/function; Has not been previously published as pathogenic or benign to our knowledge; This variant is associated with the following publications: (PMID: 19343043, 22253258)

Labcorp Genetics (formerly Invitae), Labcorp
Classification: Uncertain significance for Glycogen storage disease, type II. Last evaluated: 2022-05-13. Review status: criteria provided, single submitter. Criteria: Invitae Variant Classification Sherloc (09022015). Collection method: clinical testing. Allele origin: germline.
Comment: This sequence change replaces proline, which is neutral and non-polar, with alanine, which is neutral and non-polar, at codon 205 of the GAA protein (p.Pro205Ala). This variant is present in population databases (no rsID available, gnomAD 0.0009%). This variant has not been reported in the literature in individuals affected with GAA-related conditions. Advanced modeling of protein sequence and biophysical properties (such as structural, functional, and spatial information, amino acid conservation, physicochemical variation, residue mobility, and thermodynamic stability) performed at Invitae indicates that this missense variant is not expected to disrupt GAA protein function. In summary, the available evidence is currently insufficient to determine the role of this variant in disease. Therefore, it has been classified as a Variant of Uncertain Significance.

NM_000152.5(GAA):c.613C>G (p.Pro205Ala)

Gene: GAA (alpha glucosidase; plus strand). Cytogenetic location: 17q25.3.
Variant type: single nucleotide variant.
Coding change: c.613C>G on transcript NM_000152.5 (MANE Select); coding-DNA position 613, C replaced by G.
Protein change: p.Pro205Ala; replaces proline 205 with alanine.
Molecular consequence: missense variant.
Genome position (GRCh38, 1-based): chr17:80,105,815, C>G. VCF-style: chr17-80105815-C-G. GRCh37 (hg19) VCF-style: chr17-78079614-C-G.
Other names: c.613C>G, p.Pro205Ala (NM_001079803.3, NM_001079804.3, NM_001406741.1 and 1 more transcripts); short protein forms P205A.
Identifiers: ClinVar variation 1952158 (VCV001952158.3), dbSNP rs1341008786, ClinGen allele CA401362293.